The following is an entry in ClinVar:

NM_012463.3(ATP6V0A2):c.-227A>G

Genes: ATP6V0A2 (ATPase H+ transporting V0 subunit a2; plus strand), LOC130009117 (ATAC-STARR-seq lymphoblastoid silent region 5049; plus strand). Cytogenetic location: 12q24.31.
Variant type: single nucleotide variant.
Coding change: c.-227A>G on transcript NM_012463.3; 227 bases upstream of the start codon, A replaced by G.
Genome position (GRCh38, 1-based): chr12:123,712,339, A>G. VCF-style: chr12-123712339-A-G. GRCh37 (hg19) VCF-style: chr12-124196886-A-G.
Other names: c.-227A>G (NM_012463.2).
Identifiers: ClinVar variation 307572 (VCV000307572.8), dbSNP rs561163813, ClinGen allele CA10641279.
Genomic context (GRCh38, chr12:123,712,339, plus strand): 5'-CGGGCGTCCATTGGTCGGCCGGCGGGGGGGGCGGGACGCGGGGGCGGAACCGGAACCGGC[A>G]GTGGCTTGGGGGCGGGACCTCGCGGACTGCTGTGGCGGCAGCTGGAGCGGCGGCCGCGGT-3'

ClinVar aggregate classification (germline): Likely benign (1 of 4 stars; one submission).

Allele frequency attached by ClinVar (database versions not stated): gnomAD 0.00945 and 0.00832; TOPMed 0.01028; 1000 Genomes Project 0.01298; 1000 Genomes Project 30x 0.01452.

Submission:

GeneDx
Classification: Likely benign. Last evaluated: 2018-06-16. Review status: criteria provided, single submitter. Criteria: GeneDx Variant Classification (06012015). Collection method: clinical testing. Allele origin: germline. Affected: yes.
Comment: This variant is considered likely benign or benign based on one or more of the following criteria: it is a conservative change, it occurs at a poorly conserved position in the protein, it is predicted to be benign by multiple in silico algorithms, and/or has population frequency not consistent with disease.